The following is an entry in ClinVar:

NM_173854.6(SLC41A1):c.481-16_481-15delinsAT

Gene: SLC41A1 (solute carrier family 41 member 1; minus strand). Cytogenetic location: 1q32.1.
Variant type: Indel.
Coding change: c.481-16_481-15delinsAT on transcript NM_173854.6 (MANE Select); 16 bases into the intron before coding-DNA position 481 through 15 bases into the intron before coding-DNA position 481, GC replaced by AT.
Molecular consequence: intron variant.
Genome position (GRCh38, 1-based): chr1:205,799,845-205,799,846, GC replaced by AT on the plus strand (GC replaced by AT on the coding strand, the reverse complement: SLC41A1 is on the minus strand). VCF-style: chr1-205799845-GC-AT. GRCh37 (hg19) VCF-style: chr1-205768973-GC-AT.
Identifiers: ClinVar variation 3611289 (VCV003611289.2).
Genomic context (GRCh38, chr1:205,799,845, plus strand): 5'-TCATCCGCCAGAGCTCCTTGGGTGTGTCCATGTGTCCAATGTTGGCCTGGGAAAGGGAGG[GC>AT]AAGGGGCTGGAGCTTCAGGCTGGAAAAGGCCTGAAGCTCCATCCATTAGGCTCCTGCCTA-3'

ClinVar aggregate classification (germline): Uncertain significance (1 of 4 stars; one submission).

Submission:

Labcorp Genetics (formerly Invitae), Labcorp
Classification: Uncertain significance. Last evaluated: 2025-03-04. Review status: criteria provided, single submitter. Criteria: Invitae Variant Classification Sherloc (09022015). Collection method: clinical testing. Allele origin: germline.
Comment: This sequence change falls in intron 3 of the SLC41A1 gene. It does not directly change the encoded amino acid sequence of the SLC41A1 protein. Information on the frequency of this variant in the gnomAD database is not available, as this variant may be reported differently in the database. This variant has not been reported in the literature in individuals affected with SLC41A1-related conditions. Experimental studies and prediction algorithms are not available or were not evaluated, and the effect of this variant on mRNA splicing is currently unknown. In summary, the available evidence is currently insufficient to determine the role of this variant in disease. Therefore, it has been classified as a Variant of Uncertain Significance.